The following is an entry in ClinVar:

ClinVar aggregate classification (germline): Uncertain significance (1 of 4 stars; one submission).

Allele frequency attached by ClinVar (database versions not stated): TOPMed 0.00001.
gnomAD v4.1: 96 of 1,562,804 alleles (0.0061%); highest among the groups gnomAD compares: Non-Finnish European, 0.0082%; no homozygotes.

Submission:

Labcorp Genetics (formerly Invitae), Labcorp
Classification: Uncertain significance. Last evaluated: 2021-11-09. Review status: criteria provided, single submitter. Criteria: Invitae Variant Classification Sherloc (09022015). Collection method: clinical testing. Allele origin: germline.
Comment: In summary, the available evidence is currently insufficient to determine the role of this variant in disease. Therefore, it has been classified as a Variant of Uncertain Significance. Algorithms developed to predict the effect of missense changes on protein structure and function output the following: SIFT: "Not Available"; PolyPhen-2: "Benign"; Align-GVGD: "Not Available". The serine amino acid residue is found in multiple mammalian species, which suggests that this missense change does not adversely affect protein function. This variant has not been reported in the literature in individuals affected with MYO18B-related conditions. This variant is present in population databases (rs536132671, gnomAD 0.005%). This sequence change replaces proline, which is neutral and non-polar, with serine, which is neutral and polar, at codon 258 of the MYO18B protein (p.Pro258Ser).

NM_032608.7(MYO18B):c.772C>T (p.Pro258Ser)

Gene: MYO18B (myosin XVIIIB; plus strand). Cytogenetic location: 22q12.1.
Variant type: single nucleotide variant.
Coding change: c.772C>T on transcript NM_032608.7 (MANE Select); coding-DNA position 772, C replaced by T.
Protein change: p.Pro258Ser; replaces proline 258 with serine.
Molecular consequence: missense variant.
Genome position (GRCh38, 1-based): chr22:25,768,688, C>T. VCF-style: chr22-25768688-C-T. GRCh37 (hg19) VCF-style: chr22-26164655-C-T.
Other names: c.772C>T, p.Pro258Ser (NM_001318245.2); short protein forms P258S.
Identifiers: ClinVar variation 1385373 (VCV001385373.5), dbSNP rs536132671, ClinGen allele CA10159685.
Genomic context (GRCh38, chr22:25,768,688, plus strand): 5'-CAAAGCATAGTGGGGAAGGGGCTTGGGACCCCCAAGACCACAGAGCTGAAAGAGGCTGAG[C>T]CCCAGGGCAAAGACAGGCAGGGGACCAGGCCCCAAGCCCAAGGGCCCGGCGAGGGGGTGC-3'
Protein context (NP_115997.5, residues 248-268): PKTTELKEAE[Pro258Ser]QGKDRQGTRP